The following is an entry in ClinVar:

ClinVar aggregate classification (germline): Uncertain significance. Review status: criteria provided, multiple submitters, no conflicts (2 of 4 stars). 3 submissions from 3 submitters: Uncertain significance (3). Last evaluated 2025-11-22.

Conditions:
Wagner disease. Also called: WAGNER SYNDROME 1; HYALOIDEORETINAL DEGENERATION OF WAGNER; WAGNER VITREORETINAL DEGENERATION; Wagner syndrome; WAGNER VITREORETINOPATHY; Wagner Vitreoretinal Degeneration (Wagner Synrdome). Identifiers: Orphanet 898, MedGen C1840452, MONDO:0007740, OMIM 143200.
Inborn genetic diseases. Identifiers: MedGen C0950123, MeSH D030342.

Allele frequency attached by ClinVar (database versions not stated): ExAC 0.00001; gnomAD exomes 0.00001 and 0.00002; TOPMed 0.00012; gnomAD 0.00014; ESP Exome Variant Server 0.00015.
gnomAD v4.1: 34 of 1,614,000 alleles (0.0021%); highest among the groups gnomAD compares: African/African-American, 0.044%; no homozygotes.

Submissions (3):

Labcorp Genetics (formerly Invitae), Labcorp
Classification: Uncertain significance. Last evaluated: 2025-11-22. Review status: criteria provided, single submitter. Criteria: Invitae Variant Classification Sherloc (09022015). Collection method: clinical testing. Allele origin: germline.
Comment: This sequence change replaces glycine, which is neutral and non-polar, with serine, which is neutral and polar, at codon 2012 of the VCAN protein (p.Gly2012Ser). This variant is present in population databases (rs138550552, gnomAD 0.03%). This variant has not been reported in the literature in individuals affected with VCAN-related conditions. ClinVar contains an entry for this variant (Variation ID: 971959). An algorithm developed to predict the effect of missense changes on protein structure and function (PolyPhen-2) suggests that this variant is likely to be disruptive. In summary, the available evidence is currently insufficient to determine the role of this variant in disease. Therefore, it has been classified as a Variant of Uncertain Significance.

Ambry Genetics
Classification: Uncertain significance for Inborn genetic diseases. Last evaluated: 2024-04-24. Review status: criteria provided, single submitter. Criteria: Ambry Variant Classification Scheme 2023. Collection method: clinical testing. Allele origin: germline.

Fulgent Genetics
Classification: Uncertain significance for Wagner disease. Last evaluated: 2021-07-15. Review status: criteria provided, single submitter. Criteria: ACMG Guidelines, 2015. Collection method: clinical testing. Allele origin: unknown.

NM_004385.5(VCAN):c.6034G>A (p.Gly2012Ser)

Genes: VCAN (versican; plus strand), VCAN-AS1 (VCAN antisense RNA 1; minus strand). Cytogenetic location: 5q14.3.
Variant type: single nucleotide variant.
Coding change: c.6034G>A on transcript NM_004385.5 (MANE Select); coding-DNA position 6034, G replaced by A.
Protein change: p.Gly2012Ser; replaces glycine 2012 with serine.
Molecular consequence: missense variant. On other transcripts: intron variant (2).
Genome position (GRCh38, 1-based): chr5:83,539,037, G>A. VCF-style: chr5-83539037-G-A. GRCh37 (hg19) VCF-style: chr5-82834856-G-A.
Other names: c.3073G>A, p.Gly1025Ser (NM_001164097.2); c.4004-6500G>A (NM_001164098.2); c.1043-6500G>A (NM_001126336.3); short protein forms G1025S, G2012S.
Identifiers: ClinVar variation 971959 (VCV000971959.12), dbSNP rs138550552, ClinGen allele CA3333412.
Genomic context (GRCh38, chr5:83,539,037, plus strand): 5'-ACCATGGTCAGCACTTCAGCCTTCCCCTGGGAAGAGTTTACATCCTCAGCTGAGGGCTCA[G>A]GTGAGCAACTGGTCACAGTCAGCAGCTCTGTTGTTCCAGTGCTTCCCAGTGCTGTGCAAA-3'
Protein context (NP_004376.2, residues 2002-2022): EEFTSSAEGS[Gly2012Ser]EQLVTVSSSV